The following is an entry in ClinVar:

NM_001286611.2(REPS1):c.1519A>T (p.Asn507Tyr)

Gene: REPS1 (RALBP1 associated Eps domain containing 1; minus strand). Cytogenetic location: 6q24.1.
Variant type: single nucleotide variant.
Coding change: c.1519A>T on transcript NM_001286611.2 (MANE Select); coding-DNA position 1519, A replaced by T.
Protein change: p.Asn507Tyr; replaces asparagine 507 with tyrosine.
Molecular consequence: missense variant.
Genome position (GRCh38, 1-based): chr6:138,920,224, T>A on the plus strand (A>T on the coding strand, the complement: REPS1 is on the minus strand). VCF-style: chr6-138920224-T-A. GRCh37 (hg19) VCF-style: chr6-139241361-T-A.
Other names: c.1438A>T, p.Asn480Tyr (NM_001128617.3, NM_001286612.2); c.1519A>T, p.Asn507Tyr (NM_031922.5); short protein forms N507Y, N480Y.
Identifiers: ClinVar variation 3152999 (VCV003152999.3), dbSNP rs746728315, ClinGen allele CA148314370.

ClinVar aggregate classification (germline): Uncertain significance. Review status: criteria provided, multiple submitters, no conflicts (2 of 4 stars). 2 submissions from 2 submitters: Uncertain significance (2). Last evaluated 2024-04-08.

Allele frequency attached by ClinVar (database versions not stated): gnomAD 0.00003; TOPMed 0.00006.

Submissions (2):

Labcorp Genetics (formerly Invitae), Labcorp
Classification: Uncertain significance. Last evaluated: 2024-04-08. Review status: criteria provided, single submitter. Criteria: Invitae Variant Classification Sherloc (09022015). Collection method: clinical testing. Allele origin: germline.
Comment: This sequence change replaces asparagine, which is neutral and polar, with tyrosine, which is neutral and polar, at codon 507 of the REPS1 protein (p.Asn507Tyr). This variant is not present in population databases (gnomAD no frequency). This variant has not been reported in the literature in individuals affected with REPS1-related conditions. Advanced modeling of protein sequence and biophysical properties (such as structural, functional, and spatial information, amino acid conservation, physicochemical variation, residue mobility, and thermodynamic stability) performed at Invitae indicates that this missense variant is not expected to disrupt REPS1 protein function with a negative predictive value of 80%. In summary, the available evidence is currently insufficient to determine the role of this variant in disease. Therefore, it has been classified as a Variant of Uncertain Significance.

Ambry Genetics
Classification: Uncertain significance. Last evaluated: 2023-12-13. Review status: criteria provided, single submitter. Criteria: Ambry Variant Classification Scheme 2023. Collection method: clinical testing. Allele origin: germline.